The following is an entry in ClinVar:

ClinVar aggregate classification (germline): Likely benign. Review status: criteria provided, multiple submitters, no conflicts (2 of 4 stars). 2 submissions from 2 submitters: Likely benign (2). Last evaluated 2025-01-07.

Conditions:
FAT4-related disorder. Also called: FAT4-related condition.

Allele frequency attached by ClinVar (database versions not stated): gnomAD exomes 0.00002.
gnomAD v4.1: 31 of 1,613,758 alleles (0.0019%); highest among the groups gnomAD compares: Non-Finnish European, 0.0026%; no homozygotes.

Submissions (2):

PreventionGenetics, part of Exact Sciences
Classification: Likely benign for FAT4-related condition. Last evaluated: 2025-01-07. Review status: criteria provided, single submitter. Criteria: ACMG Guidelines, 2015. Collection method: clinical testing. Allele origin: germline.
Comment: This variant is classified as likely benign based on ACMG/AMP sequence variant interpretation guidelines (Richards et al. 2015 PMID: 25741868, with internal and published modifications).

Labcorp Genetics (formerly Invitae), Labcorp
Classification: Likely benign. Last evaluated: 2023-09-08. Review status: criteria provided, single submitter. Criteria: Invitae Variant Classification Sherloc (09022015). Collection method: clinical testing. Allele origin: germline.

NM_001291303.3(FAT4):c.6888A>G (p.Ser2296=)

Gene: FAT4 (FAT atypical cadherin 4; plus strand). Cytogenetic location: 4q28.1.
Variant type: single nucleotide variant.
Coding change: c.6888A>G on transcript NM_001291303.3 (MANE Select); coding-DNA position 6888, A replaced by G.
Protein change: p.Ser2296=; no amino-acid change (serine 2296 retained).
Molecular consequence: synonymous variant.
Genome position (GRCh38, 1-based): chr4:125,416,492, A>G. VCF-style: chr4-125416492-A-G. GRCh37 (hg19) VCF-style: chr4-126337647-A-G.
Other names: c.6888A>G (NM_024582.4); c.6888A>G, p.Ser2296= (NM_001291285.3, NM_024582.6).
Identifiers: ClinVar variation 1943101 (VCV001943101.6), dbSNP rs1346597295, ClinGen allele CA441204862.
Genomic context (GRCh38, chr4:125,416,492, plus strand): 5'-ATGTACTGTTCTACAGGTGGTGGCAAGAGATGATGATCGAGGATCTAACAGCAAACTCTC[A>G]TATGTTCTGTTTGGTGGTAATGAAGACAATGCTTTTACTCTCTCAGCCAGTGGAGAACTT-3'
Protein context (NP_001278232.1, residues 2286-2306): DDDRGSNSKL[Ser2296=]YVLFGGNEDN